The following is an entry in ClinVar:

ClinVar aggregate classification (germline): Uncertain significance. Review status: criteria provided, multiple submitters, no conflicts (2 of 4 stars). 2 submissions from 2 submitters: Uncertain significance (2). Last evaluated 2025-11-08.

Conditions:
Inborn genetic diseases. Identifiers: MedGen C0950123, MeSH D030342.

Allele frequency attached by ClinVar (database versions not stated): gnomAD exomes below 0.00001; ExAC 0.00002; gnomAD 0.00003; TOPMed 0.00006; ESP Exome Variant Server 0.00023.
gnomAD v4.1: 7 of 1,613,616 alleles (0.00043%); highest among the groups gnomAD compares: African/African-American, 0.0093%; no homozygotes.

Submissions (2):

Ambry Genetics
Classification: Uncertain significance for Inborn genetic diseases. Last evaluated: 2025-11-08. Review status: criteria provided, single submitter. Criteria: Ambry Variant Classification Scheme 2023. Collection method: clinical testing. Allele origin: germline.

Labcorp Genetics (formerly Invitae), Labcorp
Classification: Uncertain significance. Last evaluated: 2025-06-12. Review status: criteria provided, single submitter. Criteria: Invitae Variant Classification Sherloc (09022015). Collection method: clinical testing. Allele origin: germline.
Comment: This sequence change replaces lysine, which is basic and polar, with arginine, which is basic and polar, at codon 868 of the ITGB4 protein (p.Lys868Arg). This variant is present in population databases (rs142065461, gnomAD 0.02%). This variant has not been reported in the literature in individuals affected with ITGB4-related conditions. ClinVar contains an entry for this variant (Variation ID: 2201793). Invitae Evidence Modeling of protein sequence and biophysical properties (such as structural, functional, and spatial information, amino acid conservation, physicochemical variation, residue mobility, and thermodynamic stability) indicates that this missense variant is not expected to disrupt ITGB4 protein function with a negative predictive value of 80%. In summary, the available evidence is currently insufficient to determine the role of this variant in disease. Therefore, it has been classified as a Variant of Uncertain Significance.

NM_000213.5(ITGB4):c.2603A>G (p.Lys868Arg)

Gene: ITGB4 (integrin subunit beta 4; plus strand). Cytogenetic location: 17q25.1.
Variant type: single nucleotide variant.
Coding change: c.2603A>G on transcript NM_000213.5 (MANE Select); coding-DNA position 2603, A replaced by G.
Protein change: p.Lys868Arg; replaces lysine 868 with arginine.
Molecular consequence: missense variant.
Genome position (GRCh38, 1-based): chr17:75,740,845, A>G. VCF-style: chr17-75740845-A-G. GRCh37 (hg19) VCF-style: chr17-73736926-A-G.
Other names: c.2603A>G (NM_001005731.1); c.2603A>G, p.Lys868Arg (NM_001005619.2, NM_001005731.3, NM_001321123.2); short protein forms K868R.
Identifiers: ClinVar variation 2201793 (VCV002201793.3), dbSNP rs142065461, ClinGen allele CA8769489.
Genomic context (GRCh38, chr17:75,740,845, plus strand): 5'-CCTGGCAGCTGAACGAGGTCTACAGGCAGATCTCCGGTGTACACAAGCTCCAGCAGACCA[A>G]GTTCCGGTGAGTCCCGGGGTGCCCGGGTTGGGTGGGGGAGCCGCTCCTACCGGGACTCCA-3'
Protein context (NP_000204.3, residues 858-878): ISGVHKLQQT[Lys868Arg]FRQQPNAGKK